The following is an entry in ClinVar:

ClinVar aggregate classification (germline): Benign/Likely benign. Review status: criteria provided, multiple submitters, no conflicts (2 of 4 stars). 4 submissions from 4 submitters: Benign (1); Likely benign (2). 1 of the submissions does not count toward it. Last evaluated 2026-09-30.

Conditions:
Rhabdoid tumor predisposition syndrome 2 (RTPS2). Identifiers: Orphanet 231108, Orphanet 69077, MedGen C2750074, MONDO:0013224, OMIM 613325.
Hereditary cancer-predisposing syndrome. Also called: Tumor predisposition; Neoplastic Syndromes, Hereditary; Hereditary Cancer Syndrome; Hereditary neoplastic syndrome. Identifiers: Orphanet 140162, MedGen C0027672, MeSH D009386, MONDO:0015356.
SMARCA4-related disorder. Also called: SMARCA4-related condition.

Allele frequency attached by ClinVar (database versions not stated): 1000 Genomes Project 30x 0.00016; 1000 Genomes Project 0.00020; ExAC 0.00005; gnomAD below 0.00001 and 0.00005; gnomAD exomes 0.00002 and 0.00005.
gnomAD v4.1: 39 of 1,614,060 alleles (0.0024%); highest among the groups gnomAD compares: South Asian, 0.041%; 3 homozygotes.

Submissions (4):

Myriad Genetics, Inc.
Classification: Benign for Rhabdoid tumor predisposition syndrome 2. Last evaluated: 2026-09-30. Review status: criteria provided, single submitter. Criteria: Myriad Autosomal Dominant, Autosomal Recessive and X-Linked Classification Criteria (2023). Collection method: clinical testing. Allele origin: unknown.
Comment: This variant is considered benign. This variant is a silent/synonymous amino acid change and it is not expected to impact splicing.

Labcorp Genetics (formerly Invitae), Labcorp
Classification: Likely benign for Rhabdoid tumor predisposition syndrome 2. Last evaluated: 2025-12-15. Review status: criteria provided, single submitter. Criteria: Invitae Variant Classification Sherloc (09022015). Collection method: clinical testing. Allele origin: germline.

Ambry Genetics
Classification: Likely benign for Hereditary cancer-predisposing syndrome. Last evaluated: 2016-11-21. Review status: criteria provided, single submitter. Criteria: Ambry Variant Classification Scheme 2023. Collection method: clinical testing. Allele origin: germline.

PreventionGenetics, part of Exact Sciences
Classification: Likely benign for SMARCA4-related condition. Last evaluated: 2019-10-23. Review status: no assertion criteria provided. Collection method: clinical testing. Allele origin: germline. Not counted in ClinVar's aggregate classification.
Comment: This variant is classified as likely benign based on ACMG/AMP sequence variant interpretation guidelines (Richards et al. 2015 PMID: 25741868, with internal and published modifications).

NM_003072.5(SMARCA4):c.267C>T (p.Arg89=)

Gene: SMARCA4 (SWI/SNF related BAF chromatin remodeling complex subunit ATPase 4; plus strand). Cytogenetic location: 19p13.2.
Variant type: single nucleotide variant.
Coding change: c.267C>T on transcript NM_003072.5 (MANE Select); coding-DNA position 267, C replaced by T.
Protein change: p.Arg89=; no amino-acid change (arginine 89 retained).
Molecular consequence: synonymous variant. On other transcripts: non-coding transcript variant (1).
Genome position (GRCh38, 1-based): chr19:10,985,317, C>T. VCF-style: chr19-10985317-C-T. GRCh37 (hg19) VCF-style: chr19-11095993-C-T.
Other names: c.267C>T, p.Arg89= (NM_001128844.3, NM_001128845.2, NM_001128846.2 and 5 more transcripts).
Identifiers: ClinVar variation 484935 (VCV000484935.17), dbSNP rs551739868, ClinGen allele CA9203447.